The following is an entry in ClinVar:

NM_001457.4(FLNB):c.5695A>C (p.Ile1899Leu)

Gene: FLNB (filamin B; plus strand). Cytogenetic location: 3p14.3.
Variant type: single nucleotide variant.
Coding change: c.5695A>C on transcript NM_001457.4 (MANE Select); coding-DNA position 5695, A replaced by C.
Protein change: p.Ile1899Leu; replaces isoleucine 1899 with leucine.
Molecular consequence: missense variant.
Genome position (GRCh38, 1-based): chr3:58,146,960, A>C. VCF-style: chr3-58146960-A-C. GRCh37 (hg19) VCF-style: chr3-58132687-A-C.
Other names: c.5788A>C, p.Ile1930Leu (NM_001164317.2); c.5662A>C, p.Ile1888Leu (NM_001164318.2); c.5623A>C, p.Ile1875Leu (NM_001164319.2); short protein forms I1899L, I1888L, I1875L, I1930L.
Identifiers: ClinVar variation 1353273 (VCV001353273.8), dbSNP rs776474063, ClinGen allele CA353355145.

ClinVar aggregate classification (germline): Uncertain significance (1 of 4 stars; one submission).

gnomAD v4.1: 7 of 1,614,144 alleles (0.00043%); highest among the groups gnomAD compares: Non-Finnish European, 0.00059%; no homozygotes.

Submission:

Labcorp Genetics (formerly Invitae), Labcorp
Classification: Uncertain significance. Last evaluated: 2023-03-27. Review status: criteria provided, single submitter. Criteria: Invitae Variant Classification Sherloc (09022015). Collection method: clinical testing. Allele origin: germline.
Comment: In summary, the available evidence is currently insufficient to determine the role of this variant in disease. Therefore, it has been classified as a Variant of Uncertain Significance. Advanced modeling of protein sequence and biophysical properties (such as structural, functional, and spatial information, amino acid conservation, physicochemical variation, residue mobility, and thermodynamic stability) performed at Invitae indicates that this missense variant is not expected to disrupt FLNB protein function. ClinVar contains an entry for this variant (Variation ID: 1353273). This variant has not been reported in the literature in individuals affected with FLNB-related conditions. This variant is not present in population databases (gnomAD no frequency). This sequence change replaces isoleucine, which is neutral and non-polar, with leucine, which is neutral and non-polar, at codon 1899 of the FLNB protein (p.Ile1899Leu).